The following is an entry in ClinVar:

ClinVar aggregate classification (germline): Likely benign. Review status: criteria provided, multiple submitters, no conflicts (2 of 4 stars). 2 submissions from 2 submitters: Likely benign (2). Last evaluated 2024-01-29.

Conditions:
Nemaline myopathy 2 (NEM2). Also called: Nemaline myopathy 2, autosomal recessive. Identifiers: MedGen C1850569, MONDO:0009725, OMIM 256030.

Allele frequency attached by ClinVar (database versions not stated): gnomAD 0.00002; gnomAD exomes 0.00002; TOPMed 0.00002; ExAC 0.00003.

Submissions (2):

Labcorp Genetics (formerly Invitae), Labcorp
Classification: Likely benign for Nemaline myopathy 2. Last evaluated: 2024-01-29. Review status: criteria provided, single submitter. Criteria: Invitae Variant Classification Sherloc (09022015). Collection method: clinical testing. Allele origin: germline.

GeneDx
Classification: Likely benign. Last evaluated: 2017-06-09. Review status: criteria provided, single submitter. Criteria: GeneDx Variant Classification (06012015). Collection method: clinical testing. Allele origin: germline. Affected: yes.
Comment: This variant is considered likely benign or benign based on one or more of the following criteria: it is a conservative change, it occurs at a poorly conserved position in the protein, it is predicted to be benign by multiple in silico algorithms, and/or has population frequency not consistent with disease.

NM_001164508.2(NEB):c.9330T>C (p.Tyr3110=)

Gene: NEB (nebulin; minus strand). Cytogenetic location: 2q23.3.
Variant type: single nucleotide variant.
Coding change: c.9330T>C on transcript NM_001164508.2 (MANE Select); coding-DNA position 9330, T replaced by C.
Protein change: p.Tyr3110=; no amino-acid change (tyrosine 3110 retained).
Molecular consequence: synonymous variant. On other transcripts: intron variant (1).
Genome position (GRCh38, 1-based): chr2:151,633,738, A>G on the plus strand (T>C on the coding strand, the complement: NEB is on the minus strand). VCF-style: chr2-151633738-A-G. GRCh37 (hg19) VCF-style: chr2-152490252-A-G.
Other names: c.9330T>C, p.Tyr3110= (NM_001164507.2, NM_001271208.2); c.8854-2560T>C (NM_004543.5).
Identifiers: ClinVar variation 517913 (VCV000517913.9), dbSNP rs770174001, ClinGen allele CA1909362.